The following is an entry in ClinVar:

NM_001289104.2(PRKCSH):c.1191dup (p.Ile398fs)

Gene: PRKCSH (PRKCSH beta subunit of glucosidase II; plus strand). Cytogenetic location: 19p13.2.
Variant type: Duplication.
Coding change: c.1191dup on transcript NM_001289104.2 (MANE Select); coding-DNA position 1191, one base duplicated (C; older notation c.1191dupC).
Protein change: p.Ile398fs; shifts the reading frame from isoleucine 398.
Molecular consequence: frameshift variant.
Genome position (GRCh38, 1-based): chr19:11,448,286, C duplicated; the last of 2 consecutive C bases (chr19:11,448,285-11,448,286); duplicating either gives the same sequence. VCF-style (leftmost placement, unchanged base first): chr19-11448284-T-TC. GRCh37 (hg19) VCF-style: chr19-11559099-T-TC.
Other names: c.1191dupC (NM_001289104.1); c.1161dup, p.Ile388fs (NM_001001329.3, NM_001289102.2, NM_001379609.1); c.1191dup, p.Ile398fs (NM_001289103.2); c.1170dup, p.Ile391fs (NM_001379608.1, NM_002743.3); short protein forms I388fs, I391fs, I398fs.
Identifiers: ClinVar variation 992438 (VCV000992438.4), dbSNP rs1970419486, ClinGen allele CA1139666281.

ClinVar aggregate classification (germline): Pathogenic. Review status: criteria provided, multiple submitters, no conflicts (2 of 4 stars). 3 submissions from 3 submitters: Pathogenic (2). 1 of the submissions does not count toward it. Last evaluated 2024-03-26.

Conditions:
PRKCSH-related disorder. Also called: PRKCSH-related condition.
Polycystic liver disease 1 (PCLD1). Also called: Polycystic liver disease 1 with or without kidney cysts. Identifiers: Orphanet 2924, MedGen C0887850, MONDO:0008265, OMIM 174050.

Submissions (3):

Blueprint Genetics
Classification: Pathogenic for PRKCSH-related disorders. Last evaluated: 2024-03-26. Review status: criteria provided, single submitter. Criteria: ACMG Guidelines, 2015. Collection method: clinical testing. Allele origin: germline. Affected: yes. Observed: 2 variant alleles.

Victorian Clinical Genetics Services, Murdoch Childrens Research Institute
Classification: Pathogenic for Polycystic liver disease 1. Last evaluated: 2022-02-02. Review status: criteria provided, single submitter. Criteria: ACMG Guidelines, 2015. Collection method: clinical testing. Allele origin: germline. Inheritance: Autosomal dominant inheritance.
Comment: Based on the classification scheme VCGS_Germline_v1.3.4, this variant is classified as Pathogenic. Following criteria are met: 0102 - Loss of function is a known mechanism of disease in this gene and is associated with Polycystic liver disease 1 (MIM#174050). (I) 0107 - This gene is associated with autosomal dominant disease. (I) 0201 - Variant is predicted to cause nonsense-mediated decay (NMD) and loss of protein (premature termination codon is located at least 54 nucleotides upstream of the final exon-exon junction). (SP) 0251 - This variant is heterozygous. (I) 0301 - Variant is absent from gnomAD (both v2 and v3). (SP) 0702 - Other NMD predicted variants comparable to the one identified in this case have strong previous evidence for pathogenicity (ClinVar). (SP) 0803 - This variant has limited previous evidence of pathogenicity in unrelated individuals. This variant has been previously reported in two individuals with polycystic liver disease (ClinVar, PMID: 12529853). (SP) 1208 - Inheritance information for this variant is not currently available in this individual. (I) Legend: (SP) - Supporting pathogenic, (I) - Information, (SB) - Supporting benign

Bioscientia Institut fuer Medizinische Diagnostik GmbH, Sonic Healthcare
Classification: Pathogenic for Polycystic liver disease 1. Last evaluated: 2020-10-06. Review status: no assertion criteria provided. Collection method: clinical testing. Allele origin: germline. Affected: yes. Not counted in ClinVar's aggregate classification.

Literature cited by the submitters: PubMed 12529853 (cited by Victorian Clinical Genetics Services, Murdoch Childrens Research Institute).